The following is an entry in ClinVar:

ClinVar aggregate classification (germline): Uncertain significance (1 of 4 stars; one submission).

Conditions:
Inborn genetic diseases. Identifiers: MedGen C0950123, MeSH D030342.

Submission:

Ambry Genetics
Classification: Uncertain significance for Inborn genetic diseases. Last evaluated: 2022-10-27. Review status: criteria provided, single submitter. Criteria: Ambry Variant Classification Scheme 2023. Collection method: clinical testing. Allele origin: germline.
Comment: The p.T493S variant (also known as c.1478C>G), located in coding exon 11 of the BUB1B gene, results from a C to G substitution at nucleotide position 1478. The threonine at codon 493 is replaced by serine, an amino acid with similar properties. This amino acid position is conserved. In addition, this alteration is predicted to be tolerated by in silico analysis. Since supporting evidence is limited at this time, the clinical significance of this alteration remains unclear.

NM_001211.6(BUB1B):c.1478C>G (p.Thr493Ser)

Gene: BUB1B (BUB1 mitotic checkpoint serine/threonine kinase B; plus strand). Cytogenetic location: 15q15.1.
Variant type: single nucleotide variant.
Coding change: c.1478C>G on transcript NM_001211.6 (MANE Select); coding-DNA position 1478, C replaced by G.
Protein change: p.Thr493Ser; replaces threonine 493 with serine.
Molecular consequence: missense variant.
Genome position (GRCh38, 1-based): chr15:40,200,320, C>G. VCF-style: chr15-40200320-C-G. GRCh37 (hg19) VCF-style: chr15-40492521-C-G.
Other names: short protein forms T493S.
Identifiers: ClinVar variation 1773492 (VCV001773492.2), dbSNP rs146795655, ClinGen allele CA391690056.